The following is an entry in ClinVar:

NM_000238.4(KCNH2):c.2754_2755insG (p.Ser919fs)

Gene: KCNH2 (potassium voltage-gated channel subfamily H member 2; minus strand). Cytogenetic location: 7q36.1.
Variant type: Insertion.
Coding change: c.2754_2755insG on transcript NM_000238.4 (MANE Select); coding-DNA positions 2754 to 2755, G inserted.
Protein change: p.Ser919fs; shifts the reading frame from serine 919.
Molecular consequence: frameshift variant.
Genome position: GRCh38 VCF-style: chr7-150947816-T-TC. GRCh37 (hg19) VCF-style: chr7-150644904-T-TC.
Other names: c.2466_2467insG, p.Ser823fs (NM_001406753.1); c.1734_1735insG, p.Ser579fs (NM_172057.3); short protein forms S823fs, S579fs, S919fs.
Identifiers: ClinVar variation 4714508 (VCV004714508.1).

ClinVar aggregate classification (germline): Pathogenic (1 of 4 stars; one submission).

Conditions:
Long QT syndrome (LQTS). Identifiers: MedGen C0023976, MeSH D008133, MONDO:0002442. Disease mechanism: loss of function. Inheritance: Various modes of inheritance.

Submission:

Labcorp Genetics (formerly Invitae), Labcorp
Classification: Pathogenic for Long QT syndrome. Last evaluated: 2025-03-06. Review status: criteria provided, single submitter. Criteria: Invitae Variant Classification Sherloc (09022015). Collection method: clinical testing. Allele origin: germline.
Comment: This sequence change creates a premature translational stop signal (p.Ser919Glufs*21) in the KCNH2 gene. It is expected to result in an absent or disrupted protein product. Loss-of-function variants in KCNH2 are known to be pathogenic (PMID: 10973849, 19862833). This variant is not present in population databases (gnomAD no frequency). This variant has not been reported in the literature in individuals affected with KCNH2-related conditions. For these reasons, this variant has been classified as Pathogenic.

Literature cited by the submitters: PubMed 10973849; PubMed 19862833.